The following is an entry in ClinVar:

ClinVar aggregate classification (germline): Uncertain significance (1 of 4 stars; one submission).

Submission:

GeneDx
Classification: Uncertain significance. Last evaluated: 2024-10-14. Review status: criteria provided, single submitter. Criteria: GeneDx Variant Classification Process June 2021. Collection method: clinical testing. Allele origin: germline. Affected: yes.
Comment: Not observed at significant frequency in large population cohorts (gnomAD); In silico analysis indicates that this missense variant does not alter protein structure/function; Has not been previously published as pathogenic or benign to our knowledge

NM_006593.4(TBR1):c.1757C>A (p.Ala586Asp)

Gene: TBR1 (T-box brain transcription factor 1; plus strand). Cytogenetic location: 2q24.2.
Variant type: single nucleotide variant.
Coding change: c.1757C>A on transcript NM_006593.4 (MANE Select); coding-DNA position 1757, C replaced by A.
Protein change: p.Ala586Asp; replaces alanine 586 with aspartic acid.
Molecular consequence: missense variant.
Genome position (GRCh38, 1-based): chr2:161,423,935, C>A. VCF-style: chr2-161423935-C-A. GRCh37 (hg19) VCF-style: chr2-162280446-C-A.
Other names: short protein forms A586D.
Identifiers: ClinVar variation 3781130 (VCV003781130.1).